The following is an entry in ClinVar:

ClinVar aggregate classification (germline): Likely benign. Review status: criteria provided, multiple submitters, no conflicts (2 of 4 stars). 3 submissions from 3 submitters: Likely benign (2). 1 of the submissions does not count toward it. Last evaluated 2024-12-01.

Conditions:
Alport syndrome. Also called: Hemorrhagic familial nephritis; Hemorrhagic hereditary nephritis; Congenital hereditary hematuria. Identifiers: Orphanet 63, MedGen C1567741, MONDO:0018965.

Allele frequency attached by ClinVar (database versions not stated): TOPMed below 0.00001; ExAC 0.00001; gnomAD 0.00001; gnomAD exomes 0.00002 and 0.00003.
gnomAD v4.1: 36 of 1,209,487 alleles (0.003%); highest among the groups gnomAD compares: Non-Finnish European, 0.0039%; no homozygotes.

Submissions (3):

CeGaT Center for Human Genetics Tuebingen
Classification: Likely benign. Last evaluated: 2024-12-01. Review status: criteria provided, single submitter. Criteria: CeGaT Center For Human Genetics Tuebingen Variant Classification Criteria Version 2. Collection method: clinical testing. Allele origin: germline. Affected: yes. Observed: 1 variant allele.
Comment: COL4A5: PM5, BS2

Labcorp Genetics (formerly Invitae), Labcorp
Classification: Likely benign. Last evaluated: 2024-01-07. Review status: criteria provided, single submitter. Criteria: Invitae Variant Classification Sherloc (09022015). Collection method: clinical testing. Allele origin: germline.

Sydney Genome Diagnostics, Children's Hospital Westmead
Classification: Uncertain significance for Alport syndrome. Last evaluated: 2014-04-18. Review status: no assertion criteria provided. Collection method: clinical testing. Allele origin: unknown. Affected: yes. Observed: 1 variant allele, 1 hemizygote. Not counted in ClinVar's aggregate classification.
Comment: To our knowledge, this variant has not been previously reported. p.Arg777, located iin the collagen triple helix repeat domain, is a moderately conserved amino acid (up to 11 species) and there is a large physicochemical difference between the wild type arginine and mutant cysteine. In silico analysis (Alamut Visual v2.6) varies regarding this variant; while SIFT predicts this variant to be benign, PolyPhen2, Align GVGD and Mutation Taster all suggest that this variant is likely to be pathogenic.

NM_033380.3(COL4A5):c.2329C>T (p.Arg777Cys)

Gene: COL4A5 (collagen type IV alpha 5 chain; plus strand). Cytogenetic location: Xq22.3.
Variant type: single nucleotide variant.
Coding change: c.2329C>T on transcript NM_033380.3 (MANE Select); coding-DNA position 2329, C replaced by T.
Protein change: p.Arg777Cys; replaces arginine 777 with cysteine.
Molecular consequence: missense variant.
Genome position (GRCh38, 1-based): chrX:108,606,826, C>T. VCF-style: chrX-108606826-C-T. GRCh37 (hg19) VCF-style: chrX-107850056-C-T.
Other names: c.2329C>T, p.Arg777Cys (NM_000495.5); short protein forms R777C.
Identifiers: ClinVar variation 988254 (VCV000988254.23), dbSNP rs779033931, ClinGen allele CA10488892.